The following is an entry in ClinVar:

NM_002299.4(LCT):c.1113G>A (p.Arg371=)

Genes: LCT (lactase; minus strand), LOC126806353 (BRD4-independent group 4 enhancer GRCh37_chr2:136574960-136576159; plus strand). Cytogenetic location: 2q21.3.
Variant type: single nucleotide variant.
Coding change: c.1113G>A on transcript NM_002299.4 (MANE Select); coding-DNA position 1113, G replaced by A.
Protein change: p.Arg371=; no amino-acid change (arginine 371 retained).
Molecular consequence: synonymous variant.
Genome position (GRCh38, 1-based): chr2:135,817,935, C>T on the plus strand (G>A on the coding strand, the complement: LCT is on the minus strand). VCF-style: chr2-135817935-C-T. GRCh37 (hg19) VCF-style: chr2-136575505-C-T.
Identifiers: ClinVar variation 729578 (VCV000729578.40), dbSNP rs148142216, ClinGen allele CA1888443.

ClinVar aggregate classification (germline): Conflicting classifications of pathogenicity. Review status: criteria provided, conflicting classifications (1 of 4 stars). 5 submissions from 5 submitters: Uncertain significance (1); Likely benign (3). 1 of the submissions does not count toward it. Last evaluated 2026-02-02.

Conditions:
Congenital lactase deficiency. Also called: DISACCHARIDE INTOLERANCE II; ALACTASIA, CONGENITAL. Identifiers: Orphanet 53690, MedGen C0268179, MONDO:0009115, OMIM 223000.
LCT-related disorder. Also called: LCT-related condition.

Allele frequency attached by ClinVar (database versions not stated): 1000 Genomes Project 30x 0.00062; 1000 Genomes Project 0.00080; TOPMed 0.00132; gnomAD 0.00135 and 0.00139; ESP Exome Variant Server 0.00138.
gnomAD v4.1: 2,511 of 1,614,006 alleles (0.16%); highest among the groups gnomAD compares: Middle Eastern, 0.23%; 4 homozygotes.

Submissions (5):

Labcorp Genetics (formerly Invitae), Labcorp
Classification: Likely benign. Last evaluated: 2026-02-02. Review status: criteria provided, single submitter. Criteria: Invitae Variant Classification Sherloc (09022015). Collection method: clinical testing. Allele origin: germline.

Blueprint Genetics
Classification: Likely benign. Last evaluated: 2024-11-01. Review status: criteria provided, single submitter. Criteria: ACMG Guidelines, 2015. Collection method: clinical testing. Allele origin: germline.

CeGaT Center for Human Genetics Tuebingen
Classification: Likely benign. Last evaluated: 2022-07-01. Review status: criteria provided, single submitter. Criteria: CeGaT Center For Human Genetics Tuebingen Variant Classification Criteria Version 2. Collection method: clinical testing. Allele origin: germline. Affected: yes. Observed: 1 variant allele.
Comment: LCT: BP4, BP7

Illumina Laboratory Services, Illumina
Classification: Uncertain significance for Congenital lactase deficiency. Last evaluated: 2018-01-13. Review status: criteria provided, single submitter. Criteria: ICSL Variant Classification Criteria 13 December 2019. Collection method: clinical testing. Allele origin: germline.

PreventionGenetics, part of Exact Sciences
Classification: Likely benign for LCT-related condition. Last evaluated: 2024-02-01. Review status: no assertion criteria provided. Collection method: clinical testing. Allele origin: germline. Not counted in ClinVar's aggregate classification.
Comment: This variant is classified as likely benign based on ACMG/AMP sequence variant interpretation guidelines (Richards et al. 2015 PMID: 25741868, with internal and published modifications).